The following is an entry in ClinVar:

NM_001081.4(CUBN):c.8755C>T (p.Arg2919Ter)

Gene: CUBN (cubilin; minus strand). Cytogenetic location: 10p13.
Variant type: single nucleotide variant.
Coding change: c.8755C>T on transcript NM_001081.4 (MANE Select); coding-DNA position 8755, C replaced by T.
Protein change: p.Arg2919Ter; replaces arginine 2919 with a stop codon.
Molecular consequence: nonsense.
Genome position (GRCh38, 1-based): chr10:16,890,371, G>A on the plus strand (C>T on the coding strand, the complement: CUBN is on the minus strand). VCF-style: chr10-16890371-G-A. GRCh37 (hg19) VCF-style: chr10-16932370-G-A.
Other names: short protein forms R2919*.
Identifiers: ClinVar variation 1179172 (VCV001179172.5), dbSNP rs370038232, ClinGen allele CA5422930.

ClinVar aggregate classification (germline): Pathogenic/Likely pathogenic. Review status: criteria provided, multiple submitters, no conflicts (2 of 4 stars). 3 submissions from 3 submitters: Pathogenic (1); Likely pathogenic (2). Last evaluated 2025-10-29.

Conditions:
Proteinuria, chronic benign. Identifiers: MedGen C5394384, MONDO:0030042, OMIM 618884.
Imerslund-Grasbeck syndrome type 1 (IGS1). Also called: Megaloblastic anemia 1, Finnish type; MEGALOBLASTIC ANEMIA, 1; Imerslund-Gräsbeck syndrome 1. Identifiers: MedGen C4016819, MONDO:0100156, OMIM 261100.
CUBN-related disorder. Also called: CUBN-related condition.
Imerslund-Grasbeck syndrome. Also called: ENTEROCYTE COBALAMIN MALABSORPTION; ENTEROCYTE INTRINSIC FACTOR RECEPTOR, DEFECT OF; Imerslund-Gräsbeck syndrome; Megaloblastic anemia due to inborn errors of metabolism; PERNICIOUS ANEMIA, JUVENILE, DUE TO SELECTIVE INTESTINAL MALABSORPTION OF VITAMIN B12, WITH PROTEINURIA. Identifiers: Orphanet 35858, MedGen C4551825, MONDO:0009853.

Allele frequency attached by ClinVar (database versions not stated): ExAC 0.00002; gnomAD exomes 0.00002; ESP Exome Variant Server 0.00008.
gnomAD v4.1: 32 of 1,612,454 alleles (0.002%); highest among the groups gnomAD compares: African/African-American, 0.016%; no homozygotes.

Submissions (3):

Labcorp Genetics (formerly Invitae), Labcorp
Classification: Pathogenic for Imerslund-Grasbeck syndrome. Last evaluated: 2025-10-29. Review status: criteria provided, single submitter. Criteria: Invitae Variant Classification Sherloc (09022015). Collection method: clinical testing. Allele origin: germline.
Comment: This sequence change creates a premature translational stop signal (p.Arg2919*) in the CUBN gene. It is expected to result in an absent or disrupted protein product. Loss-of-function variants in CUBN are known to be pathogenic (PMID: 15024727, 22929189, 25349199, 31613795, 34979989). This variant is present in population databases (rs370038232, gnomAD 0.03%). This variant has not been reported in the literature in individuals affected with CUBN-related conditions. ClinVar contains an entry for this variant (Variation ID: 1179172). For these reasons, this variant has been classified as Pathogenic.

PreventionGenetics, part of Exact Sciences
Classification: Likely pathogenic for CUBN-related condition. Last evaluated: 2025-02-03. Review status: criteria provided, single submitter. Criteria: ACMG Guidelines, 2015. Collection method: clinical testing. Allele origin: germline.
Comment: The CUBN c.8755C>T variant is predicted to result in premature protein termination (p.Arg2919*). To our knowledge, this variant has not been previously reported in the literature in association with disease. This variant is reported in 0.025% of alleles in individuals of African descent in gnomAD. Nonsense variants in CUBN are expected to be pathogenic. This variant is interpreted as likely pathogenic.

Fulgent Genetics
Classification: Likely pathogenic for Imerslund-Grasbeck syndrome type 1; Proteinuria, chronic benign. Last evaluated: 2021-07-16. Review status: criteria provided, single submitter. Criteria: ACMG Guidelines, 2015. Collection method: clinical testing. Allele origin: unknown.

Literature cited by the submitters: PubMed 15024727 (cited by Labcorp Genetics (formerly Invitae), Labcorp); PubMed 22929189 (cited by Labcorp Genetics (formerly Invitae), Labcorp); PubMed 25349199 (cited by Labcorp Genetics (formerly Invitae), Labcorp); PubMed 31613795 (cited by Labcorp Genetics (formerly Invitae), Labcorp); PubMed 34979989 (cited by Labcorp Genetics (formerly Invitae), Labcorp).